The following is an entry in ClinVar:

NM_003743.5(NCOA1):c.3256G>A (p.Val1086Ile)

Gene: NCOA1 (nuclear receptor coactivator 1; plus strand). Cytogenetic location: 2p23.3.
Variant type: single nucleotide variant.
Coding change: c.3256G>A on transcript NM_003743.5 (MANE Select); coding-DNA position 3256, G replaced by A.
Protein change: p.Val1086Ile; replaces valine 1086 with isoleucine.
Molecular consequence: missense variant.
Genome position (GRCh38, 1-based): chr2:24,739,486, G>A. VCF-style: chr2-24739486-G-A. GRCh37 (hg19) VCF-style: chr2-24962355-G-A.
Other names: c.3256G>A, p.Val1086Ile (NM_001362950.1, NM_001362952.1, NM_001362954.1 and 3 more transcripts); short protein forms V1086I.
Identifiers: ClinVar variation 4998442 (VCV004998442.1).
Genomic context (GRCh38, chr2:24,739,486, plus strand): 5'-CTCTAGTTGATACACCAAAATCGGCAAGCTATCTTAAACCAGTTTGCAGCAACTGCTCCT[G>A]TTGGCATCAATATGAGATCAGGCATGCAACAGCAAATTACACCTCAGGTAATGTGAGAAA-3'
Protein context (NP_003734.3, residues 1076-1096): ILNQFAATAP[Val1086Ile]GINMRSGMQQ

ClinVar aggregate classification (germline): Uncertain significance (1 of 4 stars; one submission).

Conditions:
NCOA1-related disorder. Also called: NCOA1-related condition.

gnomAD v4.1: 1 of 1,613,932 alleles (0.000062%); highest among the groups gnomAD compares: Non-Finnish European, 0.000085%; no homozygotes.

Submission:

PreventionGenetics, part of Exact Sciences
Classification: Uncertain significance for NCOA1-related condition. Last evaluated: 2025-05-16. Review status: criteria provided, single submitter. Criteria: ACMG Guidelines, 2015. Collection method: clinical testing. Allele origin: germline.
Comment: The NCOA1 c.3256G>A variant is predicted to result in the amino acid substitution p.Val1086Ile. To our knowledge, this variant has not been reported in the literature or in a large population database (gnomAD), indicating this variant is rare. At this time, the clinical significance of this variant is uncertain due to the absence of conclusive functional and genetic evidence.